The following is an entry in ClinVar:

ClinVar aggregate classification (germline): Pathogenic (1 of 4 stars; one submission).

Conditions:
Developmental and epileptic encephalopathy, 1 (DEE1). Also called: X-linked infantile spasms; West's syndrome; Tonic spasms with clustering, arrest of psychomotor development and hypsarrhythmia on EEG; X-Linked Infantile Spasm Syndrome; OHTAHARA SYNDROME, X-LINKED; INFANTILE SPASM SYNDROME, X-LINKED 1. Identifiers: MedGen C3463992, MONDO:0010632, OMIM 308350. Disease mechanism: loss of function.
Autosomal dominant nonsyndromic hearing loss 65. Also called: TBC1D24-Related Autosomal Dominant Nonsyndromic Hearing Loss (DFNA); Deafness, autosomal dominant 65. Identifiers: Orphanet 90635, MedGen C3892048, MONDO:0014470, OMIM 616044.

Submission:

Labcorp Genetics (formerly Invitae), Labcorp
Classification: Pathogenic for Developmental and epileptic encephalopathy, 1; Autosomal dominant nonsyndromic hearing loss 65. Last evaluated: 2022-06-27. Review status: criteria provided, single submitter. Criteria: Invitae Variant Classification Sherloc (09022015). Collection method: clinical testing. Allele origin: germline.
Comment: This variant is not present in population databases (gnomAD no frequency). For these reasons, this variant has been classified as Pathogenic. This variant has not been reported in the literature in individuals affected with TBC1D24-related conditions. This sequence change creates a premature translational stop signal (p.Lys327*) in the TBC1D24 gene. It is expected to result in an absent or disrupted protein product. Loss-of-function variants in TBC1D24 are known to be pathogenic (PMID: 23526554, 24291220).

Literature cited by the submitters: PubMed 23526554; PubMed 24291220.

NM_001199107.2(TBC1D24):c.979A>T (p.Lys327Ter)

Gene: TBC1D24 (TBC1 domain family member 24; plus strand). Cytogenetic location: 16p13.3.
Variant type: single nucleotide variant.
Coding change: c.979A>T on transcript NM_001199107.2 (MANE Select); coding-DNA position 979, A replaced by T.
Protein change: p.Lys327Ter; replaces lysine 327 with a stop codon.
Molecular consequence: nonsense. On other transcripts: intron variant (1).
Genome position (GRCh38, 1-based): chr16:2,497,723, A>T. VCF-style: chr16-2497723-A-T. GRCh37 (hg19) VCF-style: chr16-2547724-A-T.
Other names: c.966-515A>T (NM_020705.3); short protein forms K327*.
Identifiers: ClinVar variation 1378399 (VCV001378399.6), dbSNP rs2065755770, ClinGen allele CA394378342.
Genomic context (GRCh38, chr16:2,497,723, plus strand): 5'-TGTTTTATTTTTCTTCTCCATGTCCGTTGCTTTCTCCTGTTTTTCAGTGTGTCACTTTCT[A>T]AAAGGTAGGTCTGAAACTGTATCTGCACACCTGGCCTCTGTCTTTCCACCAGGCTGACTC-3'